The following is an entry in ClinVar:

ClinVar aggregate classification (germline): Uncertain significance (1 of 4 stars; one submission).

Allele frequency attached by ClinVar (database versions not stated): gnomAD exomes below 0.00001; gnomAD 0.00001; 1000 Genomes Project 30x 0.00016; 1000 Genomes Project 0.00020.
gnomAD v4.1: 6 of 1,499,870 alleles (0.0004%); highest among the groups gnomAD compares: South Asian, 0.0025%; no homozygotes.

Submission:

Labcorp Genetics (formerly Invitae), Labcorp
Classification: Uncertain significance. Last evaluated: 2022-01-13. Review status: criteria provided, single submitter. Criteria: Invitae Variant Classification Sherloc (09022015). Collection method: clinical testing. Allele origin: germline.
Comment: This sequence change replaces tryptophan, which is neutral and slightly polar, with arginine, which is basic and polar, at codon 1046 of the ZNF469 protein (p.Trp1046Arg). In summary, the available evidence is currently insufficient to determine the role of this variant in disease. Therefore, it has been classified as a Variant of Uncertain Significance. Algorithms developed to predict the effect of missense changes on protein structure and function are either unavailable or do not agree on the potential impact of this missense change (SIFT: "Deleterious"; PolyPhen-2: "Probably Damaging"; Align-GVGD: "Class C0"). This variant has not been reported in the literature in individuals affected with ZNF469-related conditions. This variant is not present in population databases (gnomAD no frequency).

NM_001367624.2(ZNF469):c.3136T>C (p.Trp1046Arg)

Genes: ZNF469 (zinc finger protein 469; plus strand), LOC130059718 (ATAC-STARR-seq lymphoblastoid silent region 7847; plus strand). Cytogenetic location: 16q24.2.
Variant type: single nucleotide variant.
Coding change: c.3136T>C on transcript NM_001367624.2 (MANE Select); coding-DNA position 3136, T replaced by C.
Protein change: p.Trp1046Arg; replaces tryptophan 1046 with arginine.
Molecular consequence: missense variant.
Genome position (GRCh38, 1-based): chr16:88,430,606, T>C. VCF-style: chr16-88430606-T-C. GRCh37 (hg19) VCF-style: chr16-88497014-T-C.
Other names: short protein forms W1046R.
Identifiers: ClinVar variation 1368836 (VCV001368836.4), dbSNP rs572206377, ClinGen allele CA8224829.